The following is an entry in ClinVar:

NM_031935.3(HMCN1):c.13268A>G (p.Asn4423Ser)

Gene: HMCN1 (hemicentin 1; plus strand). Cytogenetic location: 1q31.1.
Variant type: single nucleotide variant.
Coding change: c.13268A>G on transcript NM_031935.3 (MANE Select); coding-DNA position 13268, A replaced by G.
Protein change: p.Asn4423Ser; replaces asparagine 4423 with serine.
Molecular consequence: missense variant.
Genome position (GRCh38, 1-based): chr1:186,132,365, A>G. VCF-style: chr1-186132365-A-G. GRCh37 (hg19) VCF-style: chr1-186101497-A-G.
Other names: short protein forms N4423S.
Identifiers: ClinVar variation 1934533 (VCV001934533.5), dbSNP rs140559452, ClinGen allele CA1294611.

ClinVar aggregate classification (germline): Uncertain significance (1 of 4 stars; one submission).

Allele frequency attached by ClinVar (database versions not stated): gnomAD 0.00001; TOPMed 0.00002; ExAC 0.00003; gnomAD exomes 0.00003; ESP Exome Variant Server 0.00008.
gnomAD v4.1: 45 of 1,612,820 alleles (0.0028%); highest among the groups gnomAD compares: Admixed American, 0.0084%; no homozygotes.

Submission:

Labcorp Genetics (formerly Invitae), Labcorp
Classification: Uncertain significance. Last evaluated: 2022-08-20. Review status: criteria provided, single submitter. Criteria: Invitae Variant Classification Sherloc (09022015). Collection method: clinical testing. Allele origin: germline.
Comment: In summary, the available evidence is currently insufficient to determine the role of this variant in disease. Therefore, it has been classified as a Variant of Uncertain Significance. Algorithms developed to predict the effect of missense changes on protein structure and function (SIFT, PolyPhen-2, Align-GVGD) all suggest that this variant is likely to be disruptive. This variant has not been reported in the literature in individuals affected with HMCN1-related conditions. This variant is present in population databases (rs140559452, gnomAD 0.01%). This sequence change replaces asparagine, which is neutral and polar, with serine, which is neutral and polar, at codon 4423 of the HMCN1 protein (p.Asn4423Ser).